The following is an entry in ClinVar:

NC_000007.13:g.(?_146740979)_(146741166_?)dup

Gene: CNTNAP2 (contactin associated protein 2; plus strand). Cytogenetic location: 7q35.
Variant type: Duplication.
Identifiers: ClinVar variation 3245765 (VCV003245765.1).

ClinVar aggregate classification (germline): Likely pathogenic (1 of 4 stars; one submission).

Conditions:
Cortical dysplasia-focal epilepsy syndrome (PTHSL1). Also called: Pitt-Hopkins-like syndrome 1. Identifiers: Orphanet 163681, Orphanet 221150, MedGen C2750246, MONDO:0012400, OMIM 610042.

Submission:

Labcorp Genetics (formerly Invitae), Labcorp
Classification: Likely pathogenic for Cortical dysplasia-focal epilepsy syndrome. Last evaluated: 2023-12-10. Review status: criteria provided, single submitter. Criteria: Invitae Variant Classification Sherloc (09022015). Collection method: clinical testing. Allele origin: unknown.
Comment: This variant results in a copy number gain of the genomic region encompassing exon(s) 4 of the CNTNAP2 gene. While the exact position of this variant cannot be determined from the data, sub-genic copy number gains are generally in tandem (PMID: 25640679). This variant is predicted to be out-of-frame, and may result in an absent or disrupted protein product. Loss-of-function variants in CNTNAP2 are known to be pathogenic (PMID: 19896112, 21827697, 25045150, 26843181, 27439707). A similar copy number variant has been observed in individual(s) with Charcot-Marie-Tooth disease (PMID: 25648254). In summary, the currently available evidence indicates that the variant is pathogenic, but additional data are needed to prove that conclusively. Therefore, this variant has been classified as Likely Pathogenic.

Literature cited by the submitters: PubMed 25640679; PubMed 19896112; PubMed 21827697; PubMed 25045150; PubMed 26843181; PubMed 27439707; PubMed 25648254.